The following is an entry in ClinVar:

NM_002890.3(RASA1):c.806_810del (p.Leu269fs)

Genes: CCNH (cyclin H; minus strand), RASA1 (RAS p21 protein activator 1; plus strand). Cytogenetic location: 5q14.3.
Variant type: Deletion.
Coding change: c.806_810del on transcript NM_002890.3 (MANE Select); coding-DNA positions 806 to 810, 5 bases deleted (TTTAC; older notation c.806_810delTTTAC).
Protein change: p.Leu269fs; shifts the reading frame from leucine 269.
Molecular consequence: frameshift variant. On other transcripts: intron variant (1).
Genome position (GRCh38, 1-based): chr5:87,332,620-87,332,624, TTTAC deleted; deleting any 5 consecutive bases within chr5:87,332,616-87,332,624 gives the same sequence; the c. name uses the placement nearest the transcript's 3' end. VCF-style (leftmost placement, unchanged base first): chr5-87332615-ATTACT-A. GRCh37 (hg19) VCF-style: chr5-86628432-ATTACT-A.
Other names: c.275_279del, p.Leu92fs (NM_022650.3); c.934-19825_934-19821del (NM_001364075.2); short protein forms L269fs, L92fs.
Identifiers: ClinVar variation 2734735 (VCV002734735.3), dbSNP rs2531192349, ClinGen allele CA645557657.

ClinVar aggregate classification (germline): Pathogenic (1 of 4 stars; one submission).

Conditions:
Capillary malformation-arteriovenous malformation syndrome. Also called: Capillary malformation-arteriovenous malformation. Identifiers: Orphanet 137667, MedGen C1842180, MONDO:0012016.

Submission:

Labcorp Genetics (formerly Invitae), Labcorp
Classification: Pathogenic for Capillary malformation-arteriovenous malformation syndrome. Last evaluated: 2023-08-04. Review status: criteria provided, single submitter. Criteria: Invitae Variant Classification Sherloc (09022015). Collection method: clinical testing. Allele origin: germline.
Comment: This sequence change creates a premature translational stop signal (p.Leu269Profs*11) in the RASA1 gene. It is expected to result in an absent or disrupted protein product. Loss-of-function variants in RASA1 are known to be pathogenic (PMID: 24038909). This variant is not present in population databases (gnomAD no frequency). This premature translational stop signal has been observed in individual(s) with Parkes-Weber syndrome (PMID: 18446851). For these reasons, this variant has been classified as Pathogenic.

Literature cited by the submitters: PubMed 24038909; PubMed 18446851.